The following is an entry in ClinVar:

ClinVar aggregate classification (germline): Likely benign (1 of 4 stars; one submission).

Submission:

CeGaT Center for Human Genetics Tuebingen
Classification: Likely benign. Last evaluated: 2026-02-01. Review status: criteria provided, single submitter. Criteria: CeGaT Center For Human Genetics Tuebingen Variant Classification Criteria Version 2. Collection method: clinical testing. Allele origin: germline. Affected: yes. Observed: 2 variant alleles.
Comment: SHROOM4: BS2

NM_020717.5(SHROOM4):c.3440AGG[4] (p.Glu1151del)

Gene: SHROOM4 (shroom family member 4; minus strand). Cytogenetic location: Xp11.22.
Variant type: Microsatellite.
Coding change: c.3440AGG[4] on transcript NM_020717.5 (MANE Select); four copies in a row of the 3-base unit AGG starting at c.3440; the reference has five copies in a row; one copy, 3 bases deleted.
Protein change: p.Glu1151del; deletes glutamic acid 1151.
Molecular consequence: non-coding transcript variant (on NR_027121.3).
Genome position (GRCh38, 1-based): chrX:50,607,688-50,607,690, CCT deleted on the plus strand (AGG on the coding strand, the reverse complement: SHROOM4 is on the minus strand); deleting any 3 consecutive bases within chrX:50,607,688-50,607,703 gives the same sequence; the position shown is the placement nearest the transcript's 3' end. VCF-style (leftmost placement, unchanged base first): chrX-50607687-GCCT-G. GRCh37 (hg19) VCF-style: chrX-50350687-GCCT-G.
Other names: short protein forms E1151del.
Identifiers: ClinVar variation 3771268 (VCV003771268.13).